The following is an entry in ClinVar:

ClinVar aggregate classification (germline): Likely benign (1 of 4 stars; one submission).

Allele frequency attached by ClinVar (database versions not stated): ExAC 0.00003; TOPMed 0.00006; ESP Exome Variant Server 0.00008; gnomAD 0.00009; gnomAD exomes 0.00009.
gnomAD v4.1: 139 of 1,594,830 alleles (0.0087%); highest among the groups gnomAD compares: Non-Finnish European, 0.011%; no homozygotes.

Submission:

CeGaT Center for Human Genetics Tuebingen
Classification: Likely benign. Last evaluated: 2022-06-01. Review status: criteria provided, single submitter. Criteria: CeGaT Center For Human Genetics Tuebingen Variant Classification Criteria Version 2. Collection method: clinical testing. Allele origin: germline. Affected: yes. Observed: 1 variant allele.
Comment: WDR81: BP4, BP7

NM_001163809.2(WDR81):c.5148C>T (p.Asp1716=)

Gene: WDR81 (WD repeat domain 81; plus strand). Cytogenetic location: 17p13.3.
Variant type: single nucleotide variant.
Coding change: c.5148C>T on transcript NM_001163809.2 (MANE Select); coding-DNA position 5148, C replaced by T.
Protein change: p.Asp1716=; no amino-acid change (aspartic acid 1716 retained).
Molecular consequence: synonymous variant.
Genome position (GRCh38, 1-based): chr17:1,734,185, C>T. VCF-style: chr17-1734185-C-T. GRCh37 (hg19) VCF-style: chr17-1637479-C-T.
Other names: c.1539C>T, p.Asp513= (NM_001163673.2); c.1467C>T, p.Asp489= (NM_001163811.2); c.1995C>T, p.Asp665= (NM_152348.4).
Identifiers: ClinVar variation 2647207 (VCV002647207.24), dbSNP rs138984491, ClinGen allele CA8273766.